The following is an entry in ClinVar:

ClinVar aggregate classification (germline): Benign (1 of 4 stars; one submission).

Allele frequency attached by ClinVar (database versions not stated): gnomAD 0.14705 and 0.15523; TOPMed 0.16302; 1000 Genomes Project 0.19748.

Submission:

GeneDx
Classification: Benign. Last evaluated: 2018-06-19. Review status: criteria provided, single submitter. Criteria: GeneDx Variant Classification (06012015). Collection method: clinical testing. Allele origin: germline. Affected: yes.
Comment: This variant is considered likely benign or benign based on one or more of the following criteria: it is a conservative change, it occurs at a poorly conserved position in the protein, it is predicted to be benign by multiple in silico algorithms, and/or has population frequency not consistent with disease.

NM_018972.4(GDAP1):c.310+243_310+244del

Gene: GDAP1 (ganglioside induced differentiation associated protein 1; plus strand). Cytogenetic location: 8q21.11.
Variant type: Deletion.
Coding change: c.310+243_310+244del on transcript NM_018972.4 (MANE Select); bases 243 to 244 of the intron after coding-DNA position 310, 2 bases deleted (TT; older notation c.310+243_310+244delTT).
Molecular consequence: intron variant.
Genome position (GRCh38, 1-based): chr8:74,351,709-74,351,710, TT deleted. VCF-style (leftmost placement, unchanged base first): chr8-74351708-CTT-C. GRCh37 (hg19) VCF-style: chr8-75263943-CTT-C.
Other names: c.310+243_310+244del (NM_001362931.2, NM_001362930.2); c.-18+388_-18+389del (NM_001362929.2); c.-18+1131_-18+1132del (NM_001362932.2); c.106+243_106+244del (NM_001040875.4).
Identifiers: ClinVar variation 681269 (VCV000681269.1), dbSNP rs10532467, ClinGen allele CA179355742.